The following is an entry in ClinVar:

ClinVar aggregate classification (germline): Benign/Likely benign. Review status: criteria provided, multiple submitters, no conflicts (2 of 4 stars). 4 submissions from 4 submitters: Benign (3); Likely benign (1). Last evaluated 2026-01-14.

Conditions:
SYNE2-related disorder. Also called: SYNE2-related condition.
Emery-Dreifuss muscular dystrophy 5, autosomal dominant (EDMD5). Also called: EMERY-DREIFUSS MUSCULAR DYSTROPHY 5. Identifiers: Orphanet 261, MedGen C2751805, MONDO:0013072, OMIM 612999.

Allele frequency attached by ClinVar (database versions not stated): gnomAD exomes 0.00034 and 0.00092; ExAC 0.00104; 1000 Genomes Project 30x 0.00234; 1000 Genomes Project 0.00260; gnomAD 0.00324 and 0.00343; ESP Exome Variant Server 0.00354; TOPMed 0.00373.
gnomAD v4.1: 1,019 of 1,614,160 alleles (0.063%); highest among the groups gnomAD compares: African/African-American, 1.1%; 3 homozygotes.

Submissions (4):

Labcorp Genetics (formerly Invitae), Labcorp
Classification: Benign for Emery-Dreifuss muscular dystrophy 5, autosomal dominant. Last evaluated: 2026-01-14. Review status: criteria provided, single submitter. Criteria: Invitae Variant Classification Sherloc (09022015). Collection method: clinical testing. Allele origin: germline.

PreventionGenetics, part of Exact Sciences
Classification: Benign for SYNE2-related condition. Last evaluated: 2025-11-20. Review status: criteria provided, single submitter. Criteria: ACMG Guidelines, 2015. Collection method: clinical testing. Allele origin: germline.
Comment: This variant is classified as benign based on ACMG/AMP sequence variant interpretation guidelines (Richards et al. 2015 PMID: 25741868, with internal and published modifications).

Blueprint Genetics
Classification: Likely benign. Last evaluated: 2024-11-11. Review status: criteria provided, single submitter. Criteria: ACMG Guidelines, 2015. Collection method: clinical testing. Allele origin: germline.

Illumina Laboratory Services, Illumina
Classification: Benign for Emery-Dreifuss muscular dystrophy 5, autosomal dominant. Last evaluated: 2018-01-12. Review status: criteria provided, single submitter. Criteria: ICSL Variant Classification Criteria 13 December 2019. Collection method: clinical testing. Allele origin: germline.
Comment: This variant was observed in the ICSL laboratory as part of a predisposition screen in an ostensibly healthy population. It had not been previously curated by ICSL or reported in the Human Gene Mutation Database (HGMD: prior to June 1st, 2018), and was therefore a candidate for classification through an automated scoring system. Utilizing variant allele frequency, disease prevalence and penetrance estimates, and inheritance mode, an automated score was calculated to assess if this variant is too frequent to cause the disease. Based on the score and internal cut-off values, a variant classified as benign is not then subjected to further curation. The score for this variant resulted in a classification of benign for this disease.

NM_182914.3(SYNE2):c.19458C>T (p.Pro6486=)

Gene: SYNE2 (spectrin repeat containing nuclear envelope protein 2; plus strand). Cytogenetic location: 14q23.2.
Variant type: single nucleotide variant.
Coding change: c.19458C>T on transcript NM_182914.3 (MANE Select); coding-DNA position 19458, C replaced by T.
Protein change: p.Pro6486=; no amino-acid change (proline 6486 retained).
Molecular consequence: synonymous variant. On other transcripts: 5 prime UTR variant (1).
Genome position (GRCh38, 1-based): chr14:64,216,303, C>T. VCF-style: chr14-64216303-C-T. GRCh37 (hg19) VCF-style: chr14-64683021-C-T.
Other names: c.19389C>T, p.Pro6463= (NM_015180.6); c.-19C>T (NM_182910.2); c.360C>T, p.Pro120= (NM_182913.4).
Identifiers: ClinVar variation 313652 (VCV000313652.16), dbSNP rs144593270, ClinGen allele CA7224454.